The following is an entry in ClinVar:

ClinVar aggregate classification (germline): Uncertain significance (1 of 4 stars; one submission).

Conditions:
Dyskeratosis congenita. Identifiers: Orphanet 1775, MedGen C0265965, MONDO:0015780.

Allele frequency attached by ClinVar (database versions not stated): TOPMed 0.00001.
gnomAD v4.1: 1 of 1,614,174 alleles (0.000062%); highest among the groups gnomAD compares: Non-Finnish European, 0.000085%; no homozygotes.

Submission:

Labcorp Genetics (formerly Invitae), Labcorp
Classification: Uncertain significance for Dyskeratosis congenita. Last evaluated: 2022-10-04. Review status: criteria provided, single submitter. Criteria: Invitae Variant Classification Sherloc (09022015). Collection method: clinical testing. Allele origin: germline.
Comment: In summary, the available evidence is currently insufficient to determine the role of this variant in disease. Therefore, it has been classified as a Variant of Uncertain Significance. Advanced modeling of protein sequence and biophysical properties (such as structural, functional, and spatial information, amino acid conservation, physicochemical variation, residue mobility, and thermodynamic stability) performed at Invitae indicates that this missense variant is not expected to disrupt CTC1 protein function. This variant has not been reported in the literature in individuals affected with CTC1-related conditions. This variant is not present in population databases (gnomAD no frequency). This sequence change replaces serine, which is neutral and polar, with asparagine, which is neutral and polar, at codon 676 of the CTC1 protein (p.Ser676Asn).

NM_025099.6(CTC1):c.2027G>A (p.Ser676Asn)

Gene: CTC1 (CST telomere replication complex component 1; minus strand). Cytogenetic location: 17p13.1.
Variant type: single nucleotide variant.
Coding change: c.2027G>A on transcript NM_025099.6 (MANE Select); coding-DNA position 2027, G replaced by A.
Protein change: p.Ser676Asn; replaces serine 676 with asparagine.
Molecular consequence: missense variant. On other transcripts: non-coding transcript variant (1).
Genome position (GRCh38, 1-based): chr17:8,232,394, C>T on the plus strand (G>A on the coding strand, the complement: CTC1 is on the minus strand). VCF-style: chr17-8232394-C-T. GRCh37 (hg19) VCF-style: chr17-8135712-C-T.
Other names: c.2027G>A, p.Ser676Asn (NM_001411067.1); short protein forms S676N.
Identifiers: ClinVar variation 2112047 (VCV002112047.4), dbSNP rs1259622000, ClinGen allele CA397979604.